The following is an entry in ClinVar:

NM_002180.3(IGHMBP2):c.1399G>C (p.Val467Leu)

Gene: IGHMBP2 (immunoglobulin mu DNA binding protein 2; plus strand). Cytogenetic location: 11q13.3.
Variant type: single nucleotide variant.
Coding change: c.1399G>C on transcript NM_002180.3 (MANE Select); coding-DNA position 1399, G replaced by C.
Protein change: p.Val467Leu; replaces valine 467 with leucine.
Molecular consequence: missense variant.
Genome position (GRCh38, 1-based): chr11:68,933,462, G>C. VCF-style: chr11-68933462-G-C. GRCh37 (hg19) VCF-style: chr11-68700930-G-C.
Other names: short protein forms V467L.
Identifiers: ClinVar variation 665584 (VCV000665584.7), dbSNP rs755120725, ClinGen allele CA6153625.

ClinVar aggregate classification (germline): Uncertain significance (1 of 4 stars; one submission).

Conditions:
Autosomal recessive distal spinal muscular atrophy 1. Also called: NEURONOPATHY, DISTAL HEREDITARY MOTOR, HARDING TYPE VI; NEUROPATHY, DISTAL HEREDITARY MOTOR, AUTOSOMAL RECESSIVE 1; SEVERE INFANTILE AXONAL NEUROPATHY WITH RESPIRATORY FAILURE; SPINAL MUSCULAR ATROPHY, DIAPHRAGMATIC; HMN VI; NEURONOPATHY, SEVERE INFANTILE AXONAL, WITH RESPIRATORY FAILURE. Identifiers: Orphanet 98920, MedGen C1858517, MONDO:0011436, OMIM 604320.
Charcot-Marie-Tooth disease axonal type 2S. Also called: CHARCOT-MARIE-TOOTH NEUROPATHY, TYPE 2S; CHARCOT-MARIE-TOOTH DISEASE, AXONAL, AUTOSOMAL RECESSIVE, TYPE 2S. Identifiers: Orphanet 443073, MedGen C4015349, MONDO:0014511, OMIM 616155.

Allele frequency attached by ClinVar (database versions not stated): gnomAD 0.00001; TOPMed 0.00001; ExAC 0.00004.
gnomAD v4.1: 25 of 1,612,552 alleles (0.0016%); highest among the groups gnomAD compares: South Asian, 0.021%; no homozygotes.

Submission:

Labcorp Genetics (formerly Invitae), Labcorp
Classification: Uncertain significance for Autosomal recessive distal spinal muscular atrophy 1; Charcot-Marie-Tooth disease axonal type 2S. Last evaluated: 2025-04-17. Review status: criteria provided, single submitter. Criteria: Invitae Variant Classification Sherloc (09022015). Collection method: clinical testing. Allele origin: germline.
Comment: This sequence change replaces valine, which is neutral and non-polar, with leucine, which is neutral and non-polar, at codon 467 of the IGHMBP2 protein (p.Val467Leu). This variant is present in population databases (rs755120725, gnomAD 0.02%). This variant has not been reported in the literature in individuals affected with IGHMBP2-related conditions. ClinVar contains an entry for this variant (Variation ID: 665584). Invitae Evidence Modeling of protein sequence and biophysical properties (such as structural, functional, and spatial information, amino acid conservation, physicochemical variation, residue mobility, and thermodynamic stability) has been performed for this missense variant. However, the output from this modeling did not meet the statistical confidence thresholds required to predict the impact of this variant on IGHMBP2 protein function. In summary, the available evidence is currently insufficient to determine the role of this variant in disease. Therefore, it has been classified as a Variant of Uncertain Significance.